The following is an entry in ClinVar:

ClinVar aggregate classification (germline): Likely benign. Review status: criteria provided, multiple submitters, no conflicts (2 of 4 stars). 4 submissions from 4 submitters: Likely benign (3). 1 of the submissions does not count toward it. Last evaluated 2025-08-14.

Conditions:
CDKL5 disorder. Identifiers: MedGen CN296942, MONDO:0100039.
Developmental and epileptic encephalopathy, 2 (DEE2). Also called: CDKL5 deficiency disorder; INFANTILE SPASM SYNDROME, X-LINKED 2. Identifiers: Orphanet 1934, Orphanet 3451, Orphanet 505652, MedGen C4750718, MONDO:0010396, OMIM 300672.
Angelman syndrome-like. Identifiers: MedGen CN128785.

Allele frequency attached by ClinVar (database versions not stated): gnomAD exomes 0.00001; gnomAD 0.00007 and 0.00006; TOPMed 0.00006; ExAC 0.00001; ESP Exome Variant Server 0.00009.
gnomAD v4.1: 21 of 1,210,429 alleles (0.0017%); highest among the groups gnomAD compares: Middle Eastern, 0.023%; no homozygotes.

Submissions (4):

Labcorp Genetics (formerly Invitae), Labcorp
Classification: Likely benign for Developmental and epileptic encephalopathy, 2; Angelman syndrome-like. Last evaluated: 2025-08-14. Review status: criteria provided, single submitter. Criteria: Invitae Variant Classification Sherloc (09022015). Collection method: clinical testing. Allele origin: germline.

Centre for Population Genomics, CPG
Classification: Likely benign for CDKL5 disorder. Last evaluated: 2024-09-19. Review status: criteria provided, single submitter. Criteria: McKnight et al. (Hum Mutat. 2022). Collection method: curation. Allele origin: germline. Inheritance: X-linked inheritance.
Comment: This variant has been collected from RettBASE and curated to current modified ACMG/AMP criteria. Based on the classification scheme defined by the ClinGen Rett/Angelman-like Expert Panel for Rett/AS-like Disorders Specifications to the ACMG/AMP Variant Interpretation Guidelines VCEP 3.0, this variant is classified as likely benign. At least the following criteria are met: The allele frequency of this variant in at least one population in gnomAD is between 0.008% and 0.03% (BS1). Synonymous or intronic variant outside donor and acceptor splice regions for NM_001323289.2 where splicing prediction algorithms do not support significant splicing alteration (spliceAI score <=0.1) (BP4, BP7)

GeneDx
Classification: Likely benign. Last evaluated: 2017-12-05. Review status: criteria provided, single submitter. Criteria: GeneDx Variant Classification (06012015). Collection method: clinical testing. Allele origin: germline. Affected: yes.
Comment: This variant is considered likely benign or benign based on one or more of the following criteria: it is a conservative change, it occurs at a poorly conserved position in the protein, it is predicted to be benign by multiple in silico algorithms, and/or has population frequency not consistent with disease.

RettBASE
Classification: Benign. Last evaluated: 2014-03-13. Review status: no assertion criteria provided. Collection method: curation. Allele origin: unknown. Observed: 1 variant allele. Not counted in ClinVar's aggregate classification.

Literature cited by the submitters: PubMed 23064044 (cited by RettBASE).

NM_000330.4(RS1):c.185-3208C>T

Genes: CDKL5 (cyclin dependent kinase like 5; plus strand), RS1 (retinoschisin 1; minus strand). Cytogenetic location: Xp22.13.
Variant type: single nucleotide variant.
Coding change: c.185-3208C>T on transcript NM_000330.4 (MANE Select); 3208 bases into the intron before coding-DNA position 185, C replaced by T.
Molecular consequence: intron variant. On other transcripts: synonymous variant (2).
Genome position (GRCh38, 1-based): chrX:18,650,540, G>A on the plus strand (C>T on the coding strand, the complement: RS1 is on the minus strand). VCF-style: chrX-18650540-G-A. GRCh37 (hg19) VCF-style: chrX-18668660-G-A.
Other names: c.2928G>A, p.Pro976= (NM_001037343.2, NM_003159.3).
Identifiers: ClinVar variation 189535 (VCV000189535.14), dbSNP rs140944590, ClinGen allele CA199342.